The following is an entry in ClinVar:

ClinVar aggregate classification (germline): Likely benign. Review status: criteria provided, multiple submitters, no conflicts (2 of 4 stars). 3 submissions from 3 submitters: Likely benign (2). 1 of the submissions does not count toward it. Last evaluated 2024-04-15.

Conditions:
IFT172-related disorder. Also called: IFT172-related disorders; IFT172-related condition.
Short-rib thoracic dysplasia 10 with or without polydactyly (SRTD10). Identifiers: Orphanet 474, MedGen C3810175, MONDO:0014284, OMIM 615630.
Retinitis pigmentosa 71 (RP71). Identifiers: Orphanet 791, MedGen C4225342, MONDO:0014618, OMIM 616394.

Submissions (3):

Labcorp Genetics (formerly Invitae), Labcorp
Classification: Likely benign for Retinitis pigmentosa 71; Short-rib thoracic dysplasia 10 with or without polydactyly. Last evaluated: 2024-04-15. Review status: criteria provided, single submitter. Criteria: Invitae Variant Classification Sherloc (09022015). Collection method: clinical testing. Allele origin: germline.

Blueprint Genetics
Classification: Likely benign. Last evaluated: 2022-02-18. Review status: criteria provided, single submitter. Criteria: ACMG Guidelines, 2015. Collection method: clinical testing. Allele origin: germline.

PreventionGenetics, part of Exact Sciences
Classification: Likely benign for IFT172-related condition. Last evaluated: 2023-09-08. Review status: no assertion criteria provided. Collection method: clinical testing. Allele origin: germline. Not counted in ClinVar's aggregate classification.
Comment: This variant is classified as likely benign based on ACMG/AMP sequence variant interpretation guidelines (Richards et al. 2015 PMID: 25741868, with internal and published modifications).

NM_015662.3(IFT172):c.184-8del

Gene: IFT172 (intraflagellar transport 172; minus strand). Cytogenetic location: 2p23.3.
Variant type: Deletion.
Coding change: c.184-8del on transcript NM_015662.3 (MANE Select); 8 bases into the intron before coding-DNA position 184, one base deleted (A; older notation c.184-8delA).
Molecular consequence: intron variant.
Genome position (GRCh38, 1-based): chr2:27,485,138, T deleted on the plus strand (A on the coding strand, the reverse complement: IFT172 is on the minus strand); the first of 3 consecutive T bases (chr2:27,485,138-27,485,140); deleting any one gives the same sequence. VCF-style (leftmost placement, unchanged base first): chr2-27485137-GT-G. GRCh37 (hg19) VCF-style: chr2-27708004-GT-G.
Other names: c.184-8delA (NM_015662.2).
Identifiers: ClinVar variation 2055895 (VCV002055895.7), dbSNP rs1668664388, ClinGen allele CA531765250.